The following is an entry in ClinVar:

ClinVar aggregate classification (germline): Likely pathogenic (1 of 4 stars; one submission).

Conditions:
H syndrome. Also called: HISTIOCYTOSIS AND LYMPHADENOPATHY WITH OR WITHOUT CUTANEOUS, CARDIAC, AND/OR ENDOCRINE FEATURES, JOINT CONTRACTURES, AND/OR DEAFNESS; HYPERPIGMENTATION, CUTANEOUS, WITH HYPERTRICHOSIS, HEPATOSPLENOMEGALY, HEART ANOMALIES, AND HYPOGONADISM WITH OR WITHOUT HEARING LOSS; PIGMENTED HYPERTRICHOSIS WITH INSULIN-DEPENDENT DIABETES MELLITUS; ROSAI-DORFMAN DISEASE, FAMILIAL; SINUS HISTIOCYTOSIS AND MASSIVE LYMPHADENOPATHY; Hyperpigmentation, Cutaneous, with Hypertrichosis, Hepatosplenomegaly, Heart Anomalies, Hearing Loss, and Hypogonadism. Identifiers: Orphanet 168569, MedGen C1864445, MONDO:0011273, OMIM 602782.

Submission:

Labcorp Genetics (formerly Invitae), Labcorp
Classification: Likely pathogenic for H syndrome. Last evaluated: 2024-02-11. Review status: criteria provided, single submitter. Criteria: Invitae Variant Classification Sherloc (09022015). Collection method: clinical testing. Allele origin: germline.
Comment: This sequence change affects a donor splice site in intron 1 of the SLC29A3 gene. It is expected to disrupt RNA splicing. Variants that disrupt the donor or acceptor splice site typically lead to a loss of protein function (PMID: 16199547), and loss-of-function variants in SLC29A3 are known to be pathogenic (PMID: 19336477, 20595384, 23406517, 25963354). This variant is not present in population databases (gnomAD no frequency). Disruption of this splice site has been observed in individual(s) with H syndrome (PMID: 22653152). Algorithms developed to predict the effect of sequence changes on RNA splicing suggest that this variant may disrupt the consensus splice site. In summary, the currently available evidence indicates that the variant is pathogenic, but additional data are needed to prove that conclusively. Therefore, this variant has been classified as Likely Pathogenic.

Literature cited by the submitters: PubMed 16199547; PubMed 19336477; PubMed 20595384; PubMed 23406517; PubMed 25963354; PubMed 22653152.

NM_018344.6(SLC29A3):c.1+1G>C

Genes: SLC29A3 (solute carrier family 29 member 3; plus strand), LOC130004025 (ATAC-STARR-seq lymphoblastoid silent region 2461; plus strand). Cytogenetic location: 10q22.1.
Variant type: single nucleotide variant.
Coding change: c.1+1G>C on transcript NM_018344.6 (MANE Select); the canonical splice donor site of the intron after coding-DNA position 1, G replaced by C.
Molecular consequence: splice donor variant, initiator codon variant. On other transcripts: 5 prime UTR variant (1).
Genome position (GRCh38, 1-based): chr10:71,319,311, G>C. VCF-style: chr10-71319311-G-C. GRCh37 (hg19) VCF-style: chr10-73079068-G-C.
Other names: c.-654G>C (NM_001363518.2); c.1+1G>C (NM_001174098.2).
Identifiers: ClinVar variation 3640222 (VCV003640222.2).